The following is an entry in ClinVar:

ClinVar aggregate classification (germline): Conflicting classifications of pathogenicity. Review status: criteria provided, conflicting classifications (1 of 4 stars). 4 submissions from 3 submitters: Uncertain significance (2); Likely benign (2). Last evaluated 2026-03-01.

Conditions:
Junctional epidermolysis bullosa gravis of Herlitz. Also called: Herlitz-type junctional epidermolysis bullosa; JEB-HERLITZ TYPE; Epidermolysis Bullosa Letalis; EPIDERMOLYSIS BULLOSA JUNCTIONALIS, HERLITZ TYPE; EPIDERMOLYSIS BULLOSA, JUNCTIONAL, HERLITZ-PEARSON TYPE; EPIDERMOLYSIS BULLOSA, JUNCTIONAL 1B, SEVERE. Identifiers: Orphanet 79404, MedGen C0079683, MONDO:0009182, OMIM 226700.
Laryngo-onycho-cutaneous syndrome (JEB2C). Also called: EPIDERMOLYSIS BULLOSA, JUNCTIONAL 2C, LARYNGOONYCHOCUTANEOUS; LOGIC SYNDROME; SHABBIR SYNDROME. Identifiers: Orphanet 2407, MedGen C1328355, MONDO:0009513, OMIM 245660.
LAMA3-related disorder. Also called: LAMA3-related condition; LAMA3-related disorders.

Allele frequency attached by ClinVar (database versions not stated): TOPMed 0.00083; 1000 Genomes Project 30x 0.00094; 1000 Genomes Project 0.00100; gnomAD exomes 0.00020; ExAC 0.00026; ESP Exome Variant Server 0.00046; gnomAD 0.00076 and 0.00080.
gnomAD v4.1: 218 of 1,614,056 alleles (0.014%); highest among the groups gnomAD compares: African/African-American, 0.25%; no homozygotes.

Submissions (4):

PreventionGenetics, part of Exact Sciences
Classification: Likely benign for LAMA3-related condition. Last evaluated: 2026-03-01. Review status: criteria provided, single submitter. Criteria: ACMG Guidelines, 2015. Collection method: clinical testing. Allele origin: germline.
Comment: This variant is classified as likely benign based on ACMG/AMP sequence variant interpretation guidelines (Richards et al. 2015 PMID: 25741868, with internal and published modifications).

Labcorp Genetics (formerly Invitae), Labcorp
Classification: Likely benign. Last evaluated: 2025-12-19. Review status: criteria provided, single submitter. Criteria: Invitae Variant Classification Sherloc (09022015). Collection method: clinical testing. Allele origin: germline.

Illumina Laboratory Services, Illumina
Classification: Uncertain significance for Laryngo-onycho-cutaneous syndrome. Last evaluated: 2018-01-12. Review status: criteria provided, single submitter. Criteria: ICSL Variant Classification Criteria 13 December 2019. Collection method: clinical testing. Allele origin: germline.

Illumina Laboratory Services, Illumina
Classification: Uncertain significance for Junctional epidermolysis bullosa gravis of Herlitz. Last evaluated: 2018-01-12. Review status: criteria provided, single submitter. Criteria: ICSL Variant Classification Criteria 13 December 2019. Collection method: clinical testing. Allele origin: germline.

NM_198129.4(LAMA3):c.5924G>A (p.Arg1975His)

Gene: LAMA3 (laminin subunit alpha 3; plus strand). Cytogenetic location: 18q11.2.
Variant type: single nucleotide variant.
Coding change: c.5924G>A on transcript NM_198129.4 (MANE Select); coding-DNA position 5924, G replaced by A.
Protein change: p.Arg1975His; replaces arginine 1975 with histidine.
Molecular consequence: missense variant. On other transcripts: intron variant (2).
Genome position (GRCh38, 1-based): chr18:23,899,375, G>A. VCF-style: chr18-23899375-G-A. GRCh37 (hg19) VCF-style: chr18-21479339-G-A.
Other names: c.1097G>A, p.Arg366His (NM_000227.6); c.5836+310G>A (NM_001127717.4); c.1009+310G>A (NM_001127718.4); short protein forms R1975H, R366H.
Identifiers: ClinVar variation 788005 (VCV000788005.15), dbSNP rs149809232, ClinGen allele CA8916219.